The following is an entry in ClinVar:

NM_003184.4(TAF2):c.411C>T (p.His137=)

Gene: TAF2 (TATA-box binding protein associated factor 2; minus strand). Cytogenetic location: 8q24.12.
Variant type: single nucleotide variant.
Coding change: c.411C>T on transcript NM_003184.4 (MANE Select); coding-DNA position 411, C replaced by T.
Protein change: p.His137=; no amino-acid change (histidine 137 retained).
Molecular consequence: synonymous variant.
Genome position (GRCh38, 1-based): chr8:119,806,290, G>A on the plus strand (C>T on the coding strand, the complement: TAF2 is on the minus strand). VCF-style: chr8-119806290-G-A. GRCh37 (hg19) VCF-style: chr8-120818530-G-A.
Other names: c.411C>T (NM_003184.3).
Identifiers: ClinVar variation 2170989 (VCV002170989.6), dbSNP rs370737151, ClinGen allele CA4857573.

ClinVar aggregate classification (germline): Likely benign. Review status: criteria provided, single submitter (1 of 4 stars). 2 submissions from 2 submitters: Likely benign (1). 1 of the submissions does not count toward it. Last evaluated 2025-09-05.

Conditions:
TAF2-related disorder. Also called: TAF2-related condition.

Allele frequency attached by ClinVar (database versions not stated): gnomAD 0.00008; ExAC 0.00009; TOPMed 0.00009; ESP Exome Variant Server 0.00015.
gnomAD v4.1: 208 of 1,612,976 alleles (0.013%); highest among the groups gnomAD compares: Middle Eastern, 0.033%; no homozygotes.

Submissions (2):

Labcorp Genetics (formerly Invitae), Labcorp
Classification: Likely benign. Last evaluated: 2025-09-05. Review status: criteria provided, single submitter. Criteria: Invitae Variant Classification Sherloc (09022015). Collection method: clinical testing. Allele origin: germline.

PreventionGenetics, part of Exact Sciences
Classification: Likely benign for TAF2-related condition. Last evaluated: 2019-03-22. Review status: no assertion criteria provided. Collection method: clinical testing. Allele origin: germline. Not counted in ClinVar's aggregate classification.
Comment: This variant is classified as likely benign based on ACMG/AMP sequence variant interpretation guidelines (Richards et al. 2015 PMID: 25741868, with internal and published modifications).